The following is an entry in ClinVar:

ClinVar aggregate classification (germline): Uncertain significance (1 of 4 stars; one submission).

Submission:

Labcorp Genetics (formerly Invitae), Labcorp
Classification: Uncertain significance. Last evaluated: 2025-05-16. Review status: criteria provided, single submitter. Criteria: Invitae Variant Classification Sherloc (09022015). Collection method: clinical testing. Allele origin: germline.
Comment: This sequence change replaces glutamic acid, which is acidic and polar, with valine, which is neutral and non-polar, at codon 364 of the RETREG1 protein (p.Glu364Val). This variant is not present in population databases (gnomAD no frequency). This variant has not been reported in the literature in individuals affected with RETREG1-related conditions. ClinVar contains an entry for this variant (Variation ID: 1372750). Invitae Evidence Modeling of protein sequence and biophysical properties (such as structural, functional, and spatial information, amino acid conservation, physicochemical variation, residue mobility, and thermodynamic stability) indicates that this missense variant is not expected to disrupt RETREG1 protein function with a negative predictive value of 80%. In summary, the available evidence is currently insufficient to determine the role of this variant in disease. Therefore, it has been classified as a Variant of Uncertain Significance.

NM_001034850.3(RETREG1):c.1091A>T (p.Glu364Val)

Gene: RETREG1 (reticulophagy regulator 1; minus strand). Cytogenetic location: 5p15.1.
Variant type: single nucleotide variant.
Coding change: c.1091A>T on transcript NM_001034850.3 (MANE Select); coding-DNA position 1091, A replaced by T.
Protein change: p.Glu364Val; replaces glutamic acid 364 with valine.
Molecular consequence: missense variant.
Genome position (GRCh38, 1-based): chr5:16,475,144, T>A on the plus strand (A>T on the coding strand, the complement: RETREG1 is on the minus strand). VCF-style: chr5-16475144-T-A. GRCh37 (hg19) VCF-style: chr5-16475253-T-A.
Other names: c.668A>T, p.Glu223Val (NM_019000.5); short protein forms E364V, E223V.
Identifiers: ClinVar variation 1372750 (VCV001372750.6), dbSNP rs2126505973, ClinGen allele CA359256506.